The following is an entry in ClinVar:

ClinVar aggregate classification (germline): Uncertain significance (1 of 4 stars; one submission).

Conditions:
Alstrom syndrome (ALMS). Identifiers: Orphanet 64, MedGen C0268425, MONDO:0008763, OMIM 203800.

Submission:

Labcorp Genetics (formerly Invitae), Labcorp
Classification: Uncertain significance for Alstrom syndrome. Last evaluated: 2024-07-16. Review status: criteria provided, single submitter. Criteria: Invitae Variant Classification Sherloc (09022015). Collection method: clinical testing. Allele origin: germline.
Comment: This sequence change replaces isoleucine, which is neutral and non-polar, with serine, which is neutral and polar, at codon 2406 of the ALMS1 protein (p.Ile2406Ser). This variant is not present in population databases (gnomAD no frequency). This variant has not been reported in the literature in individuals affected with ALMS1-related conditions. Experimental studies and prediction algorithms are not available or were not evaluated, and the functional significance of this variant is currently unknown. In summary, the available evidence is currently insufficient to determine the role of this variant in disease. Therefore, it has been classified as a Variant of Uncertain Significance.

NM_001378454.1(ALMS1):c.7214T>G (p.Ile2405Ser)

Gene: ALMS1 (ALMS1 centrosome and basal body associated protein; plus strand). Cytogenetic location: 2p13.1.
Variant type: single nucleotide variant.
Coding change: c.7214T>G on transcript NM_001378454.1 (MANE Select); coding-DNA position 7214, T replaced by G.
Protein change: p.Ile2405Ser; replaces isoleucine 2405 with serine.
Molecular consequence: missense variant.
Genome position (GRCh38, 1-based): chr2:73,453,741, T>G. VCF-style: chr2-73453741-T-G. GRCh37 (hg19) VCF-style: chr2-73680868-T-G.
Other names: c.7217T>G, p.Ile2406Ser (NM_015120.4); short protein forms I2405S, I2406S.
Identifiers: ClinVar variation 3659178 (VCV003659178.2).